The following is an entry in ClinVar:

NM_152296.5(ATP1A3):c.1312G>A (p.Ala438Thr)

Gene: ATP1A3 (ATPase Na+/K+ transporting subunit alpha 3; minus strand). Cytogenetic location: 19q13.2.
Variant type: single nucleotide variant.
Coding change: c.1312G>A on transcript NM_152296.5 (MANE Select); coding-DNA position 1312, G replaced by A.
Protein change: p.Ala438Thr; replaces alanine 438 with threonine.
Molecular consequence: missense variant.
Genome position (GRCh38, 1-based): chr19:41,981,627, C>T on the plus strand (G>A on the coding strand, the complement: ATP1A3 is on the minus strand). VCF-style: chr19-41981627-C-T. GRCh37 (hg19) VCF-style: chr19-42485779-C-T.
Other names: c.1345G>A, p.Ala449Thr (NM_001256213.2); c.1351G>A, p.Ala451Thr (NM_001256214.2); short protein forms A438T, A449T, A451T.
Identifiers: ClinVar variation 1045144 (VCV001045144.11), dbSNP rs782711218, ClinGen allele CA9467665.
Genomic context (GRCh38, chr19:41,981,627, plus strand): 5'-TCACGGAGCCAGAGGACAGCTCGATGCACTTGAGCAGGGCAGACTCAGACGCATCCCCAG[C>T]CACATCCCTCTGCAAGGAGAAAGGGTTGTCAGAACAGGGACAGCTGAGGGGAGGACACAG-3'
Protein context (NP_689509.1, residues 428-448): DNIPVLKRDV[Ala438Thr]GDASESALLK

ClinVar aggregate classification (germline): Uncertain significance. Review status: criteria provided, multiple submitters, no conflicts (2 of 4 stars). 2 submissions from 2 submitters: Uncertain significance (2). Last evaluated 2025-08-18.

Conditions:
Dystonia 12 (DYT12). Also called: DYT-ATP1A3; Rapid-Onset Dystonia-Parkinsonism (RDP). Identifiers: Orphanet 71517, MedGen C1868681, MONDO:0007496, OMIM 128235.

Allele frequency attached by ClinVar (database versions not stated): gnomAD exomes below 0.00001 and 0.00004; ExAC 0.00001; gnomAD 0.00001; TOPMed 0.00002.
gnomAD v4.1: 62 of 1,614,064 alleles (0.0038%); highest among the groups gnomAD compares: Non-Finnish European, 0.0049%; no homozygotes.

Submissions (2):

Labcorp Genetics (formerly Invitae), Labcorp
Classification: Uncertain significance for Dystonia 12. Last evaluated: 2025-08-18. Review status: criteria provided, single submitter. Criteria: Invitae Variant Classification Sherloc (09022015). Collection method: clinical testing. Allele origin: germline.
Comment: This sequence change replaces alanine, which is neutral and non-polar, with threonine, which is neutral and polar, at codon 438 of the ATP1A3 protein (p.Ala438Thr). This variant is present in population databases (rs782711218, gnomAD 0.0009%). This variant has not been reported in the literature in individuals affected with ATP1A3-related conditions. ClinVar contains an entry for this variant (Variation ID: 1045144). Invitae Evidence Modeling of protein sequence and biophysical properties (such as structural, functional, and spatial information, amino acid conservation, physicochemical variation, residue mobility, and thermodynamic stability) has been performed for this missense variant. However, the output from this modeling did not meet the statistical confidence thresholds required to predict the impact of this variant on ATP1A3 protein function. In summary, the available evidence is currently insufficient to determine the role of this variant in disease. Therefore, it has been classified as a Variant of Uncertain Significance.

GeneDx
Classification: Uncertain significance. Last evaluated: 2019-10-31. Review status: criteria provided, single submitter. Criteria: GeneDx Variant Classification Process June 2021. Collection method: clinical testing. Allele origin: germline. Affected: yes.
Comment: Not observed at a significant frequency in large population cohorts (Lek et al., 2016); In silico analysis, which includes protein predictors and evolutionary conservation, supports that this variant does not alter protein structure/function; Has not been previously published as pathogenic or benign to our knowledge